The following is an entry in ClinVar:

ClinVar aggregate classification (germline): Pathogenic (1 of 4 stars; one submission).

Submission:

Labcorp Genetics (formerly Invitae), Labcorp
Classification: Pathogenic. Last evaluated: 2022-09-08. Review status: criteria provided, single submitter. Criteria: Invitae Variant Classification Sherloc (09022015). Collection method: clinical testing. Allele origin: germline.
Comment: This variant is a gross deletion of the genomic region encompassing exon(s) 14 of the USH2A gene. This deletion is out-of-frame, and is expected to create a premature termination codon and result in an absent or disrupted protein product. Loss-of-function variants in USH2A are known to be pathogenic (PMID: 10729113, 10909849, 20507924, 25649381). A similar copy number variant has been observed in individuals with Usher syndrome and retinitis pigmentosa (PMID: 23591405, 25352746, 30073356). For these reasons, this variant has been classified as Pathogenic.

Literature cited by the submitters: PubMed 10729113; PubMed 10909849; PubMed 20507924; PubMed 25649381; PubMed 23591405; PubMed 25352746; PubMed 30073356.

NC_000001.10:g.(?_216405285)_(216405488_?)del

Gene: USH2A (usherin; minus strand). Cytogenetic location: 1q41.
Variant type: Deletion.
Identifiers: ClinVar variation 1074578 (VCV001074578.5).